The following is an entry in ClinVar:

ClinVar aggregate classification (germline): Uncertain significance (1 of 4 stars; one submission).

Conditions:
Primary ciliary dyskinesia 19. Also called: CILIARY DYSKINESIA, PRIMARY, 19, WITH OR WITHOUT SITUS INVERSUS. Identifiers: Orphanet 244, MedGen C3543826, MONDO:0013979, OMIM 614935.

Submission:

Labcorp Genetics (formerly Invitae), Labcorp
Classification: Uncertain significance for Primary ciliary dyskinesia 19. Last evaluated: 2023-06-17. Review status: criteria provided, single submitter. Criteria: Invitae Variant Classification Sherloc (09022015). Collection method: clinical testing. Allele origin: unknown.
Comment: In summary, the available evidence is currently insufficient to determine the role of this variant in disease. Therefore, it has been classified as a Variant of Uncertain Significance. Experimental studies and prediction algorithms are not available or were not evaluated, and the functional significance of this variant is currently unknown. This variant has not been reported in the literature in individuals affected with LRRC6-related conditions. This variant results in a copy number gain of the genomic region encompassing exon(s) 12 of the LRRC6 gene. This region includes the termination codon of the gene. This copy number gain extends beyond the assayed region for this gene and therefore may encompass additional genes. As the precise location of this event is unknown, it may be in tandem or it may be located elsewhere in the genome.

NC_000008.10:g.(?_133584554)_(133584748_?)dup

Gene: DNAAF11 (dynein axonemal assembly factor 11; minus strand). Cytogenetic location: 8q24.22.
Variant type: Duplication.
Identifiers: ClinVar variation 3245527 (VCV003245527.1).